The following is an entry in ClinVar:

ClinVar aggregate classification (germline): Benign. Review status: criteria provided, multiple submitters, no conflicts (2 of 4 stars). 2 submissions from 2 submitters: Benign (2). Last evaluated 2026-07-01.

Conditions:
Glycogen storage disease, type II (IOPD). Also called: CARDIOMEGALIA GLYCOGENICA DIFFUSA; GLYCOGENOSIS, GENERALIZED, CARDIAC FORM; GSD II; Glycogen storage disease type 2; Acid maltase deficiency disease; Aglucosidase alfa. Identifiers: Orphanet 365, MedGen C0017921, MONDO:0009290, OMIM 232300.

Submissions (2):

Genomenon, Inc
Classification: Benign for Glycogen storage disease, type II. Last evaluated: 2026-07-01. Review status: criteria provided, single submitter. Criteria: Genomenon Sequence Variant Interpretation Standards - Updated. Collection method: curation. Allele origin: germline. Affected: no.
Comment: GAA c.2190-336C>T is an intronic variant located in intron 15. This variant is present at high allele frequency in population databases. We classify GAA c.2190-336C>T as a benign variant.

Blueprint Genetics
Classification: Benign. Last evaluated: 2024-11-27. Review status: criteria provided, single submitter. Criteria: ACMG Guidelines, 2015. Collection method: clinical testing. Allele origin: germline.

NM_000152.5(GAA):c.2190-336C>T

Gene: GAA (alpha glucosidase; plus strand). Cytogenetic location: 17q25.3.
Variant type: single nucleotide variant.
Coding change: c.2190-336C>T on transcript NM_000152.5 (MANE Select); 336 bases into the intron before coding-DNA position 2190, C replaced by T.
Molecular consequence: intron variant.
Genome position (GRCh38, 1-based): chr17:80,116,632, C>T. VCF-style: chr17-80116632-C-T. GRCh37 (hg19) VCF-style: chr17-78090431-C-T.
Other names: c.2190-336C>T (NM_001406741.1, NM_001406742.1, NM_001079803.3 and 1 more transcripts).
Identifiers: ClinVar variation 4876374 (VCV004876374.2).